The following is an entry in ClinVar:

NM_001330260.2(SCN8A):c.949G>A (p.Gly317Ser)

Gene: SCN8A (sodium voltage-gated channel alpha subunit 8; plus strand). Cytogenetic location: 12q13.13.
Variant type: single nucleotide variant.
Coding change: c.949G>A on transcript NM_001330260.2 (MANE Select); coding-DNA position 949, G replaced by A.
Protein change: p.Gly317Ser; replaces glycine 317 with serine.
Molecular consequence: missense variant.
Genome position (GRCh38, 1-based): chr12:51,701,164, G>A. VCF-style: chr12-51701164-G-A. GRCh37 (hg19) VCF-style: chr12-52094948-G-A.
Other names: c.949G>A, p.Gly317Ser (NM_001177984.3, NM_001369788.1, NM_014191.4); short protein forms G317S.
Identifiers: ClinVar variation 2847672 (VCV002847672.3), dbSNP rs776767367, ClinGen allele CA6571180.
Genomic context (GRCh38, chr12:51,701,164, plus strand): 5'-AATCTGCCTGTTCATTTCCTGCCTCTTCAAACTTTTCTAGCAAATTTCTACACAGTTCCT[G>A]GCATGCTGGAACCTTTACTCTGTGGGAACAGTTCTGATGCTGGGTAAGTAGCTCACCTAG-3'
Protein context (NP_001317189.1, residues 307-327): NNKTNFYTVP[Gly317Ser]MLEPLLCGNS

ClinVar aggregate classification (germline): Uncertain significance (1 of 4 stars; one submission).

Conditions:
Early-infantile DEE. Also called: Early infantile epileptic encephalopathy; Early infantile epileptic encephalopathy with suppression bursts; Ohtahara syndrome. Identifiers: Orphanet 1934, MedGen C0393706, MONDO:0800491.

Allele frequency attached by ClinVar (database versions not stated): gnomAD exomes below 0.00001; TOPMed below 0.00001; ExAC 0.00001.
gnomAD v4.1: 2 of 1,612,690 alleles (0.00012%); highest among the groups gnomAD compares: Non-Finnish European, 0.00017%; no homozygotes.

Submission:

Labcorp Genetics (formerly Invitae), Labcorp
Classification: Uncertain significance for Early-infantile DEE. Last evaluated: 2024-01-27. Review status: criteria provided, single submitter. Criteria: Invitae Variant Classification Sherloc (09022015). Collection method: clinical testing. Allele origin: germline.
Comment: This sequence change replaces glycine, which is neutral and non-polar, with serine, which is neutral and polar, at codon 317 of the SCN8A protein (p.Gly317Ser). This variant is present in population databases (rs776767367, gnomAD 0.0009%). This variant has not been reported in the literature in individuals affected with SCN8A-related conditions. Advanced modeling of protein sequence and biophysical properties (such as structural, functional, and spatial information, amino acid conservation, physicochemical variation, residue mobility, and thermodynamic stability) has been performed at Invitae for this missense variant, however the output from this modeling did not meet the statistical confidence thresholds required to predict the impact of this variant on SCN8A protein function. This variant disrupts the p.Gly317 amino acid residue in SCN8A. Other variant(s) that disrupt this residue have been determined to be pathogenic (PMID: 31026061). This suggests that this residue is clinically significant, and that variants that disrupt this residue are likely to be disease-causing. In summary, the available evidence is currently insufficient to determine the role of this variant in disease. Therefore, it has been classified as a Variant of Uncertain Significance.

Literature cited by the submitters: PubMed 31026061.